The following is an entry in ClinVar:

NM_005869.4(CWC27):c.803A>C (p.Glu268Ala)

Gene: CWC27 (CWC27 spliceosome associated cyclophilin; plus strand). Cytogenetic location: 5q12.3.
Variant type: single nucleotide variant.
Coding change: c.803A>C on transcript NM_005869.4 (MANE Select); coding-DNA position 803, A replaced by C.
Protein change: p.Glu268Ala; replaces glutamic acid 268 with alanine.
Molecular consequence: missense variant.
Genome position (GRCh38, 1-based): chr5:64,804,251, A>C. VCF-style: chr5-64804251-A-C. GRCh37 (hg19) VCF-style: chr5-64100078-A-C.
Other names: c.803A>C, p.Glu268Ala (NM_001297644.1, NM_001297645.2, NM_001318000.2 and 1 more transcripts); short protein forms E268A.
Identifiers: ClinVar variation 3897305 (VCV003897305.1).

ClinVar aggregate classification (germline): Uncertain significance (1 of 4 stars; one submission).

Submission:

GeneDx
Classification: Uncertain significance. Last evaluated: 2024-10-31. Review status: criteria provided, single submitter. Criteria: GeneDx Variant Classification Process June 2021. Collection method: clinical testing. Allele origin: germline. Affected: yes.
Comment: Not observed at significant frequency in large population cohorts (gnomAD); In silico analysis indicates that this missense variant does not alter protein structure/function; Has not been previously published as pathogenic or benign to our knowledge